The following is an entry in ClinVar:

ClinVar aggregate classification (germline): Uncertain significance (1 of 4 stars; one submission).

Submission:

Ambry Genetics
Classification: Uncertain significance. Last evaluated: 2021-12-22. Review status: criteria provided, single submitter. Criteria: Ambry Variant Classification Scheme 2023. Collection method: clinical testing. Allele origin: germline.
Comment: The p.T61I variant (also known as c.182C>T), located in coding exon 3 of the NPAT gene, results from a C to T substitution at nucleotide position 182. The threonine at codon 61 is replaced by isoleucine, an amino acid with similar properties. This amino acid position is conserved. In addition, the in silico prediction for this alteration is inconclusive. Since supporting evidence is limited at this time, the clinical significance of this alteration remains unclear.

NM_002519.3(NPAT):c.182C>T (p.Thr61Ile)

Gene: NPAT (nuclear protein, coactivator of histone transcription; minus strand). Cytogenetic location: 11q22.3.
Variant type: single nucleotide variant.
Coding change: c.182C>T on transcript NM_002519.3 (MANE Select); coding-DNA position 182, C replaced by T.
Protein change: p.Thr61Ile; replaces threonine 61 with isoleucine.
Molecular consequence: missense variant.
Genome position (GRCh38, 1-based): chr11:108,193,992, G>A on the plus strand (C>T on the coding strand, the complement: NPAT is on the minus strand). VCF-style: chr11-108193992-G-A. GRCh37 (hg19) VCF-style: chr11-108064719-G-A.
Other names: c.182C>T, p.Thr61Ile (NM_001321307.1); short protein forms T61I.
Identifiers: ClinVar variation 1780922 (VCV001780922.2), dbSNP rs2496754449, ClinGen allele CA382526841.
Genomic context (GRCh38, chr11:108,193,992, plus strand): 5'-AAAAACTCCAAATCAGAACTCTTACCTTTTGTTTTCATAGCTACATACTCATTTAAAATT[G>A]TTGTCAAGTTTTTTCCAAATAAGGACTGAAAAGAAAAAGATCAAATATTACCAAAATTGT-3'
Protein context (NP_002510.2, residues 51-71): LLSLFGKNLT[Thr61Ile]ILNEYVAMKT